The following is an entry in ClinVar:

NM_000017.4(ACADS):c.211-2A>G

Gene: ACADS (acyl-CoA dehydrogenase short chain; plus strand). Cytogenetic location: 12q24.31.
Variant type: single nucleotide variant.
Coding change: c.211-2A>G on transcript NM_000017.4 (MANE Select); the canonical splice acceptor site of the intron before coding-DNA position 211, A replaced by G.
Molecular consequence: splice acceptor variant.
Genome position (GRCh38, 1-based): chr12:120,736,984, A>G. VCF-style: chr12-120736984-A-G. GRCh37 (hg19) VCF-style: chr12-121174787-A-G.
Other names: c.211-2A>G (NM_001302554.2).
Identifiers: ClinVar variation 2846752 (VCV002846752.4), dbSNP rs1212720647, ClinGen allele CA386613917.
Genomic context (GRCh38, chr12:120,736,984, plus strand): 5'-TTGGGGAGGGTGGGCTCGCCCCCGGCAGCTGCCCATGGCGTGCCGTCCTTCCCTGTGCCC[A>G]GGTGAAGAAGATGGGCGGGCTTGGGCTTCTGGCCATGGACGTGCCCGAGGAGCTTGGCGG-3'

ClinVar aggregate classification (germline): Likely pathogenic. Review status: criteria provided, multiple submitters, no conflicts (2 of 4 stars). 2 submissions from 2 submitters: Likely pathogenic (2). Last evaluated 2025-12-26.

Conditions:
Deficiency of butyryl-CoA dehydrogenase (ACADSD). Also called: ACADS DEFICIENCY; Short-Chain Acyl-CoA Dehydrogenase Deficiency; SCAD Deficiency; SCAD DEFICIENCY, MILD; ACYL-CoA DEHYDROGENASE, SHORT-CHAIN, DEFICIENCY OF; SCADH DEFICIENCY. Identifiers: Orphanet 26792, MedGen C0342783, MONDO:0008722, OMIM 201470. Disease mechanism: May be benign.

Allele frequency attached by ClinVar (database versions not stated): gnomAD exomes below 0.00001.
gnomAD v4.1: 2 of 1,605,370 alleles (0.00012%); highest among the groups gnomAD compares: Non-Finnish European, 0.00017%; no homozygotes.

Submissions (2):

Labcorp Genetics (formerly Invitae), Labcorp
Classification: Likely pathogenic for Deficiency of butyryl-CoA dehydrogenase. Last evaluated: 2025-12-26. Review status: criteria provided, single submitter. Criteria: Invitae Variant Classification Sherloc (09022015). Collection method: clinical testing. Allele origin: germline.
Comment: This sequence change affects an acceptor splice site in intron 2 of the ACADS gene. It is expected to disrupt RNA splicing. Variants that disrupt the donor or acceptor splice site typically lead to a loss of protein function (PMID: 16199547), and loss-of-function variants in ACADS are known to be pathogenic (PMID: 12736383, 18523805). This variant is not present in population databases (gnomAD no frequency). This variant has not been reported in the literature in individuals affected with ACADS-related conditions. ClinVar contains an entry for this variant (Variation ID: 2846752). Algorithms developed to predict the effect of sequence changes on RNA splicing suggest that this variant may disrupt the consensus splice site. In summary, the currently available evidence indicates that the variant is pathogenic, but additional data are needed to prove that conclusively. Therefore, this variant has been classified as Likely Pathogenic.

Greenwood Genetic Center Diagnostic Laboratories, Greenwood Genetic Center
Classification: Likely pathogenic for Deficiency of butyryl-CoA dehydrogenase. Last evaluated: 2025-10-17. Review status: criteria provided, single submitter. Criteria: ACMG Guidelines, 2015. Collection method: clinical testing. Allele origin: germline. Affected: yes.
Comment: PVS1, PM2

Literature cited by the submitters: PubMed 16199547 (cited by Labcorp Genetics (formerly Invitae), Labcorp); PubMed 12736383 (cited by Labcorp Genetics (formerly Invitae), Labcorp); PubMed 18523805 (cited by Labcorp Genetics (formerly Invitae), Labcorp).